The following is an entry in ClinVar:

ClinVar aggregate classification (germline): Benign. Review status: criteria provided, multiple submitters, no conflicts (2 of 4 stars). 4 submissions from 4 submitters: Benign (3). 1 of the submissions does not count toward it. Last evaluated 2026-02-02.

Conditions:
TMEM107-related disorder. Also called: TMEM107-related condition.

Allele frequency attached by ClinVar (database versions not stated): 1000 Genomes Project 0.04153; ESP Exome Variant Server 0.04308; 1000 Genomes Project 30x 0.04310.
gnomAD v4.1: 42,309 of 765,226 alleles (5.5%); highest among the groups gnomAD compares: South Asian, 14%; 1,699 homozygotes.

Submissions (4):

Labcorp Genetics (formerly Invitae), Labcorp
Classification: Benign. Last evaluated: 2026-02-02. Review status: criteria provided, single submitter. Criteria: Invitae Variant Classification Sherloc (09022015). Collection method: clinical testing. Allele origin: germline.

GeneDx
Classification: Benign. Last evaluated: 2021-05-18. Review status: criteria provided, single submitter. Criteria: GeneDx Variant Classification Process June 2021. Collection method: clinical testing. Allele origin: germline. Affected: yes.

Breakthrough Genomics
Classification: Benign. Review status: criteria provided, single submitter. Criteria: ACMG Guidelines, 2015. Collection method: not provided. Allele origin: germline. Inheritance: Autosomal recessive inheritance. Affected: yes.

PreventionGenetics, part of Exact Sciences
Classification: Benign for TMEM107-related condition. Last evaluated: 2024-05-07. Review status: no assertion criteria provided. Collection method: clinical testing. Allele origin: germline. Not counted in ClinVar's aggregate classification.
Comment: This variant is classified as benign based on ACMG/AMP sequence variant interpretation guidelines (Richards et al. 2015 PMID: 25741868, with internal and published modifications).

NR_033294.2(SNORD118):n.36C>T

Genes: SNORD118 (small nucleolar RNA, C/D box 118; minus strand), TMEM107 (transmembrane protein 107; minus strand). Cytogenetic location: 17p13.1.
Variant type: single nucleotide variant.
Molecular consequence: non-coding transcript variant (on NR_033294.2). On other transcripts: 3 prime UTR variant (5).
Genome position: GRCh38 VCF-style: chr17-8173553-G-A. GRCh37 (hg19) VCF-style: chr17-8076871-G-A.
Other names: c.*650C>T (NM_032354.3, NM_001351278.2, NM_001351279.2 and 3 more transcripts).
Identifiers: ClinVar variation 1165378 (VCV001165378.14), dbSNP rs77558339, ClinGen allele CA8370767.